The following is an entry in ClinVar:

ClinVar aggregate classification (germline): Uncertain significance. Review status: criteria provided, multiple submitters, no conflicts (2 of 4 stars). 2 submissions from 2 submitters: Uncertain significance (2). Last evaluated 2025-12-28.

Conditions:
Hereditary cancer-predisposing syndrome. Also called: Neoplastic Syndromes, Hereditary; Tumor predisposition; Hereditary Cancer Syndrome; Hereditary neoplastic syndrome. Identifiers: Orphanet 140162, MedGen C0027672, MeSH D009386, MONDO:0015356.
Familial adenomatous polyposis 1 (FAP1). Also called: FAMILIAL ADENOMATOUS POLYPOSIS 1, ATTENUATED; POLYPOSIS, ADENOMATOUS INTESTINAL. Identifiers: MedGen C2713442, MONDO:0021056, OMIM 175100. Disease mechanism: loss of function.

Allele frequency attached by ClinVar (database versions not stated): gnomAD 0.00001; gnomAD exomes 0.00001; ExAC 0.00002; 1000 Genomes Project 30x 0.00016; 1000 Genomes Project 0.00020.
gnomAD v4.1: 2 of 1,613,856 alleles (0.00012%); highest among the groups gnomAD compares: East Asian, 0.0045%; no homozygotes.

Submissions (2):

Labcorp Genetics (formerly Invitae), Labcorp
Classification: Uncertain significance for Familial adenomatous polyposis 1. Last evaluated: 2025-12-28. Review status: criteria provided, single submitter. Criteria: Invitae Variant Classification Sherloc (09022015). Collection method: clinical testing. Allele origin: germline.
Comment: This sequence change replaces aspartic acid, which is acidic and polar, with alanine, which is neutral and non-polar, at codon 78 of the APC protein (p.Asp78Ala). This variant is present in population databases (rs562833260, gnomAD 0.01%). This variant has not been reported in the literature in individuals affected with APC-related conditions. ClinVar contains an entry for this variant (Variation ID: 482349). Invitae Evidence Modeling of protein sequence and biophysical properties (such as structural, functional, and spatial information, amino acid conservation, physicochemical variation, residue mobility, and thermodynamic stability) indicates that this missense variant is not expected to disrupt APC protein function with a negative predictive value of 95%. In summary, the available evidence is currently insufficient to determine the role of this variant in disease. Therefore, it has been classified as a Variant of Uncertain Significance.

Ambry Genetics
Classification: Uncertain significance for Hereditary cancer-predisposing syndrome. Last evaluated: 2024-02-12. Review status: criteria provided, single submitter. Criteria: Ambry Variant Classification Scheme 2023. Collection method: clinical testing. Allele origin: germline.
Comment: The p.D78A variant (also known as c.233A>C), located in coding exon 3 of the APC gene, results from an A to C substitution at nucleotide position 233. The aspartic acid at codon 78 is replaced by alanine, an amino acid with dissimilar properties. This amino acid position is highly conserved in available vertebrate species. In addition, in silico predictors for this gene do not accurately predict pathogenicity. Based on the available evidence, the clinical significance of this alteration remains unclear.

NM_000038.6(APC):c.233A>C (p.Asp78Ala)

Gene: APC (APC regulator of Wnt signaling pathway; plus strand). Cytogenetic location: 5q22.2.
Variant type: single nucleotide variant.
Coding change: c.233A>C on transcript NM_000038.6 (MANE Select); coding-DNA position 233, A replaced by C.
Protein change: p.Asp78Ala; replaces aspartic acid 78 with alanine.
Molecular consequence: missense variant. On other transcripts: 5 prime UTR variant (1).
Genome position (GRCh38, 1-based): chr5:112,767,201, A>C. VCF-style: chr5-112767201-A-C. GRCh37 (hg19) VCF-style: chr5-112102898-A-C.
Other names: c.233A>C, p.Asp78Ala (NM_001127510.3, NM_001354895.2, NM_001354896.2 and 2 more transcripts); c.263A>C, p.Asp88Ala (NM_001127511.3, NM_001354897.2, NM_001354902.2); c.158A>C, p.Asp53Ala (NM_001354898.2, NM_001354904.2); c.56A>C, p.Asp19Ala (NM_001354900.2, NM_001354901.2, NM_001354905.2); c.-803A>C (NM_001354906.2); short protein forms D78A, D88A, D19A, D53A.
Identifiers: ClinVar variation 482349 (VCV000482349.14), dbSNP rs562833260, ClinGen allele CA031709.